The following is an entry in ClinVar:

ClinVar aggregate classification (germline): Likely benign. Review status: criteria provided, single submitter (1 of 4 stars). 3 submissions from 3 submitters: Likely benign (1). 2 of the submissions do not count toward it. Last evaluated 2026-07-01.

Conditions:
TSC2-related disorder. Also called: TSC2-related condition; TSC2-Related Disorders.
Tuberous sclerosis syndrome (TSC). Also called: Tuberous Sclerosis Complex; Tuberous sclerosis. Identifiers: Orphanet 805, MedGen C0041341, MONDO:0001734.

Allele frequency attached by ClinVar (database versions not stated): gnomAD exomes 0.00067; ESP Exome Variant Server 0.00077; ExAC 0.00082; 1000 Genomes Project 30x 0.00016; 1000 Genomes Project 0.00020; gnomAD 0.00050 and 0.00052; TOPMed 0.00050.
gnomAD v4.1: 1,503 of 1,612,884 alleles (0.093%); highest among the groups gnomAD compares: Non-Finnish European, 0.11%; 3 homozygotes.

Submissions (3):

CeGaT Center for Human Genetics Tuebingen
Classification: Likely benign. Last evaluated: 2026-07-01. Review status: criteria provided, single submitter. Criteria: CeGaT Center For Human Genetics Tuebingen Variant Classification Criteria Version 2. Collection method: clinical testing. Allele origin: germline. Affected: yes. Observed: 14 variant alleles.
Comment: TSC2: BS1

PreventionGenetics, part of Exact Sciences
Classification: Likely benign for TSC2-related condition. Last evaluated: 2019-03-04. Review status: no assertion criteria provided. Collection method: clinical testing. Allele origin: germline. Not counted in ClinVar's aggregate classification.
Comment: This variant is classified as likely benign based on ACMG/AMP sequence variant interpretation guidelines (Richards et al. 2015 PMID: 25741868, with internal and published modifications).

Tuberous sclerosis database (TSC2)
No classification provided. Condition: TSC. Review status: no classification provided. Criteria: Tuberous Sclerosis Database Assertion Criteria 2015. Collection method: curation. Allele origin: germline. Affected: yes. Not counted in ClinVar's aggregate classification.

NM_000548.5(TSC2):c.3131+34C>T

Gene: TSC2 (TSC complex subunit 2; plus strand). Cytogenetic location: 16p13.3.
Variant type: single nucleotide variant.
Coding change: c.3131+34C>T on transcript NM_000548.5 (MANE Select); 34 bases into the intron after coding-DNA position 3131, C replaced by T.
Molecular consequence: intron variant.
Genome position (GRCh38, 1-based): chr16:2,079,230, C>T. VCF-style: chr16-2079230-C-T. GRCh37 (hg19) VCF-style: chr16-2129231-C-T.
Other names: c.3131+34C>T (NM_001114382.3, NM_000548.4); c.3002+34C>T (NM_021055.3, NM_001370405.1, NM_001363528.2); c.2999+34C>T (NM_001370404.1, NM_001077183.3); c.2891+34C>T (NM_001318827.2); c.2399+34C>T (NM_001318831.2); c.2855+34C>T (NM_001318829.2); c.3032+34C>T (NM_001318832.2).
Identifiers: ClinVar variation 49747 (VCV000049747.33), dbSNP rs45487103, ClinGen allele CA018589.
Genomic context (GRCh38, chr16:2,079,230, plus strand): 5'-CTCCAACTTCACGGCTGTCCCGAAGAGGTCCAGGCGGCACTACAGGGCTGGGCGGGCCTG[C>T]GGGAGCTCCACGGGCAAGCTGGGTTTCACGCTCCCTGTCTTCTAGGTCTCCTGTGGGCGA-3'